The following is an entry in ClinVar:

NM_206933.4(USH2A):c.1859G>T (p.Cys620Phe)

Gene: USH2A (usherin; minus strand). Cytogenetic location: 1q41.
Variant type: single nucleotide variant.
Coding change: c.1859G>T on transcript NM_206933.4 (MANE Select); coding-DNA position 1859, G replaced by T.
Protein change: p.Cys620Phe; replaces cysteine 620 with phenylalanine.
Molecular consequence: missense variant.
Genome position (GRCh38, 1-based): chr1:216,289,392, C>A on the plus strand (G>T on the coding strand, the complement: USH2A is on the minus strand). VCF-style: chr1-216289392-C-A. GRCh37 (hg19) VCF-style: chr1-216462734-C-A.
Other names: c.1859G>T (NM_206933.3); c.1859G>T, p.Cys620Phe (NM_007123.6); short protein forms C620F.
Identifiers: ClinVar variation 549981 (VCV000549981.24), dbSNP rs758571672, ClinGen allele CA1396372.
Genomic context (GRCh38, chr1:216,289,392, plus strand): 5'-GGTTTGCAAACATCTATGGCCGAAGGATCTGCACCAACTTGTCGGAAAAAGTAATCCTTG[C>A]ACAGCTCACAGTTCCTTCCTGCATCAGGGAAAGGTTATGCATTATGACTTCTAATTCATT-3'
Protein context (NP_996816.3, residues 610-630): HNTTGRNCEL[Cys620Phe]KDYFFRQVGA

ClinVar aggregate classification (germline): Pathogenic. Review status: reviewed by expert panel (3 of 4 stars). 12 submissions from 12 submitters: Pathogenic (1). 11 of the submissions do not count toward it. Last evaluated 2023-10-24.

Conditions:
Usher syndrome type 2A. Also called: USHER SYNDROME, TYPE IIA; RETINAL DISEASE IN USHER SYNDROME TYPE IIA, MODIFIER OF. Identifiers: Orphanet 231178, Orphanet 886, MedGen C1848634, MONDO:0010169, OMIM 276901.
Retinitis pigmentosa 39 (RP39). Identifiers: Orphanet 791, MedGen C3151138, MONDO:0013436, OMIM 613809.
Usher syndrome. Also called: Usher Syndromes; Usher's syndrome. Identifiers: Orphanet 886, MedGen CN469326, MeSH D052245, MONDO:0019501. Disease mechanism: loss of function.
USH2A-related disorder. Also called: USH2A-related disorders; USH2A-related condition. Identifiers: MedGen CN239332.

Allele frequency attached by ClinVar (database versions not stated): ExAC 0.00002; gnomAD 0.00002; gnomAD exomes 0.00002 and 0.00006; TOPMed 0.00002.
gnomAD v4.1: 88 of 1,613,804 alleles (0.0055%); highest among the groups gnomAD compares: Non-Finnish European, 0.0073%; no homozygotes.

Submissions (12):

ClinGen Hearing Loss Variant Curation Expert Panel
Classification: Pathogenic for Usher syndrome. Last evaluated: 2023-10-24. Review status: reviewed by expert panel. Criteria: Clingen Hl Acmg Specifications Cdh23 Coch Gjb2 Kcnq4 Myo6 Myo7a Slc26a4 Tecta Ush2a V2. Collection method: curation. Allele origin: germline. Inheritance: Autosomal recessive inheritance.
Comment: The c.1859G>T in USH2A is a missense variant predicted to cause a substitution of cysteine to phenylalanine at amino acid 620 (p.Cys620Phe) . The highest population minor allele frequency in gnomAD v2.1.1 is 0.004% (5/129062) in the European(non-Finnish) sub-population which is below the threshold defined by the ClinGen Hearing Loss Expert Panel for autosomal recessive Usher syndrome (PM2_Supporting). The REVEL computational prediction analysis tool produced a score of 0.974 (PP3). This variant has been detected in at least four probands with other pathogenic or suspected-pathogenic variants confirmed in trans (4.0 PM3_Very Strong points; PMID: 22135276, 33089500, 36011334). The probands harbored these variants in USH2A: p.Trp1607*, p.Glu767Serfs*21, p.Cys759Phe, p.Gly3195*. At least one patient displayed features of hearing loss and retinitis pigmentosa, which is highly specific for USH2A and Usher syndrome (PP4; PMID: 22135276). The variant has been reported to segregate with AR Usher syndrome in one affected family member from one family (PP1; PMID: 36011334). In summary, this variant meets the criteria to be classified as pathogenic for AR Usher syndrome based on ACMG/AMP criteria applied, as specified by the ClinGen Hearing Loss VCEP; PM2_Supporting, PP3, PM3_Very Strong, PP4, PP1. (The ClinGen Hearing Loss VCEP Specifications Version 2; 06/27/2023).

PreventionGenetics, part of Exact Sciences
Classification: Pathogenic for USH2A-related condition. Last evaluated: 2026-01-11. Review status: criteria provided, single submitter. Criteria: ACMG Guidelines, 2015. Collection method: clinical testing. Allele origin: germline. Not counted in ClinVar's aggregate classification.
Comment: The USH2A c.1859G>T variant is predicted to result in the amino acid substitution p.Cys620Phe. This variant has been reported as causative for Usher syndrome (Le Quesne Stabej et al. 2012. PubMed ID: 22135276; Molina-Ramírez et al. 2020. PubMed ID: 32176120; Table S1, Lin et al. 2024. PubMed ID: 38219857). Functional studies have suggested that this variant does not affect collagen binding (Bhattacharya et al. 2004. PubMed ID: 14676276), but abolishes fibronectin binding (Bhattacharya and Cosgrove. 2005. PubMed ID: 16114888). This variant is present in 0.0039% of alleles in individuals of European (Non-Finnish) descent in gnomAD. This variant is interpreted as pathogenic.

3billion
Classification: Pathogenic for Retinitis pigmentosa 39. Last evaluated: 2026-01-09. Review status: criteria provided, single submitter. Criteria: ACMG Guidelines, 2015. Collection method: clinical testing. Allele origin: germline. Affected: yes. Not counted in ClinVar's aggregate classification.
Comment: The variant is observed at an extremely low frequency in the gnomAD v4.1.0 dataset (total allele frequency: 0.005%). Predicted Consequence/Location: Missense variant Functional studies provide strong evidence of the variant having a damaging effect on the gene or gene product (PMID: 16114888). In silico tool prediction suggests damaging effect of the variant on gene or gene product [REVEL: 0.97 (>=0.6, sensitivity 0.68 and specificity 0.92)]. The same nucleotide change resulting in the same amino acid change has been previously reported as pathogenic/likely pathogenic with strong evidence (ClinVar ID: VCV000549981 /PMID: 16963483). Therefore, this variant is classified as Pathogenic according to the recommendation of ACMG/AMP guideline.

Labcorp Genetics (formerly Invitae), Labcorp
Classification: Pathogenic. Last evaluated: 2025-09-16. Review status: criteria provided, single submitter. Criteria: Invitae Variant Classification Sherloc (09022015). Collection method: clinical testing. Allele origin: germline. Not counted in ClinVar's aggregate classification.
Comment: This sequence change replaces cysteine, which is neutral and slightly polar, with phenylalanine, which is neutral and non-polar, at codon 620 of the USH2A protein (p.Cys620Phe). This variant is present in population databases (rs758571672, gnomAD 0.004%). This missense change has been observed in individuals with Usher syndrome (PMID: 16963483, 22135276; internal data). ClinVar contains an entry for this variant (Variation ID: 549981). Invitae Evidence Modeling of protein sequence and biophysical properties (such as structural, functional, and spatial information, amino acid conservation, physicochemical variation, residue mobility, and thermodynamic stability) indicates that this missense variant is expected to disrupt USH2A protein function with a positive predictive value of 95%. Experimental studies have shown that this missense change affects USH2A function (PMID: 16114888). This variant disrupts the p.Cys620 amino acid residue in USH2A. Other variant(s) that disrupt this residue have been observed in individuals with USH2A-related conditions (PMID: 24944099), which suggests that this may be a clinically significant amino acid residue. For these reasons, this variant has been classified as Pathogenic.

Natera, Inc.
Classification: Pathogenic for Usher syndrome type 2A. Last evaluated: 2025-08-25. Review status: criteria provided, single submitter. Criteria: Natera Variant Classification Schema (03/2026). Collection method: clinical testing. Allele origin: germline. Not counted in ClinVar's aggregate classification.
Comment: The c.1859G>T variant in USH2A is a missense variant predicted to cause substitution of cysteine to phenylalanine at amino acid 620. This variant is rare in the general population with a frequency below the threshold expected for the associated phenotype(s). This variant has been observed in one or more individuals affected with the associated recessive disease, as either homozygous or compound heterozygous with a second variant (PMID: 22135276, 33089500, 31836858). Additionally, this variant has been observed to segregate in affected family members (PMID: 36011334). Computational prediction algorithms indicate this variant is likely to affect gene or protein function. Given the available evidence, this variant is classified as Pathogenic.

Baylor Genetics
Classification: Likely pathogenic for Retinitis pigmentosa 39. Last evaluated: 2024-03-10. Review status: criteria provided, single submitter. Criteria: ACMG Guidelines, 2015. Collection method: clinical testing. Allele origin: unknown. Not counted in ClinVar's aggregate classification.

Women's Health and Genetics/Laboratory Corporation of America, LabCorp
Classification: Pathogenic for Usher syndrome. Last evaluated: 2023-05-22. Review status: criteria provided, single submitter. Criteria: LabCorp Variant Classification Summary - May 2015. Collection method: clinical testing. Allele origin: germline. Not counted in ClinVar's aggregate classification.
Comment: Variant summary: USH2A c.1859G>T (p.Cys620Phe) results in a non-conservative amino acid change located in the Laminin-type EGF domain (IPR002049) of the encoded protein sequence. Five of five in-silico tools predict a damaging effect of the variant on protein function. The variant allele was found at a frequency of 1.6e-05 in 251316 control chromosomes (gnomAD). c.1859G>T has been reported in the literature in multiple individuals affected with Usher Syndrome (examples: Feenstra_2002, Stabej_2012, Molina-Ramirez_2020, Hagag_USH2A_2021). These data indicate that the variant is very likely to be associated with disease. At least one publication reports experimental evidence evaluating an impact on protein function and demonstrated this variant abolishes fibronectin/collagen interaction (example: Bhattacharya_2005). The following publications have been ascertained in the context of this evaluation (PMID: 22135276 , 32176120, 31266775, 33089500, 36011334, 16114888). Six clinical diagnostic laboratories have submitted clinical-significance assessments for this variant to ClinVar after 2014 and classified the variant as pathogenic/likely pathogenic (n=5) and VUS (n=1). Based on the evidence outlined above, the variant was classified as pathogenic.

Blueprint Genetics
Classification: Pathogenic for USH2A-related disorders. Last evaluated: 2023-03-09. Review status: criteria provided, single submitter. Criteria: ACMG Guidelines, 2015. Collection method: clinical testing. Allele origin: germline. Affected: yes. Observed: 5 variant alleles. Not counted in ClinVar's aggregate classification.

Laboratory for Molecular Medicine, Mass General Brigham Personalized Medicine
Classification: Likely pathogenic for Usher syndrome. Last evaluated: 2020-06-19. Review status: criteria provided, single submitter. Criteria: LMM Criteria. Collection method: clinical testing. Allele origin: germline. Inheritance: Autosomal recessive inheritance. Observed: 1 variant allele. Not counted in ClinVar's aggregate classification.
Comment: The p.Cys620Phe variant in USH2A has been reported in at least 2 individuals with Usher syndrome, including two compound heterozygotes (Le Quesne Stabej 2012). It has also been reported in ClinVar (Variation ID 549981). The p.Cys620Phe variant has been identified in 0.004% (5/129062) of European chromosomes by gnomAD. Another variant at the same position, p.Cys620Tyr has been reported in a homozygous individual with Usher syndrome (Baux 2014). In addition, an in vitro functional study suggests that this variant results in a failure of the Usherin peptide to co-immunoprecipitate fibronectin, which may indicate a disruption of normal protein function (Bhattacharya 2005); however, these types of assays may not accurately represent biological function. Computational prediction tools and conservation analyses also suggest that this variant may impact the protein. In summary, although additional studies are required to fully establish its clinical significance, this variant meets criteria to be classified as likely pathogenic for autosomal recessive Usher syndrome. ACMG/AMP criteria applied: PM3_Strong, PM2, PP3, PP4, PS3_Supporting.

Centre for Genomic Medicine, Manchester, Central Manchester University Hospitals
Classification: Pathogenic for Usher syndrome type 2A. Last evaluated: 2019-02-01. Review status: criteria provided, single submitter. Criteria: ACMG Guidelines, 2015. Collection method: clinical testing. Allele origin: germline. Affected: yes. Observed: 2 variant alleles, 2 compound heterozygotes. Clinical features observed: Prelingual sensorineural hearing impairment, Rod-cone dystrophy. Not counted in ClinVar's aggregate classification.

Molecular Diagnostics Laboratory, M Health Fairview: University of Minnesota
Classification: Likely pathogenic for Usher syndrome type 2A. Last evaluated: 2016-10-05. Review status: criteria provided, single submitter. Criteria: ACMG Guidelines, 2015. Collection method: clinical testing. Allele origin: germline. Affected: yes. Observed: 1 variant allele. Not counted in ClinVar's aggregate classification.

Counsyl
Classification: Uncertain significance for Usher syndrome type 2A; Retinitis pigmentosa 39. Last evaluated: 2017-05-18. Review status: no assertion criteria provided. Collection method: clinical testing. Allele origin: unknown. Not counted in ClinVar's aggregate classification.

Literature cited by the submitters: PubMed 16963483 (cited by 4 submitters); PubMed 16114888 (cited by 5 submitters); PubMed 22135276 (cited by 6 submitters); PubMed 24944099 (cited by Labcorp Genetics (formerly Invitae), Labcorp and Laboratory for Molecular Medicine, Mass General Brigham Personalized Medicine); PubMed 33089500 (cited by Natera, Inc. and Women's Health and Genetics/Laboratory Corporation of America, LabCorp); PubMed 31836858 (cited by Natera, Inc.); PubMed 36011334 (cited by Natera, Inc. and Women's Health and Genetics/Laboratory Corporation of America, LabCorp); PubMed 32176120 (cited by Women's Health and Genetics/Laboratory Corporation of America, LabCorp); PubMed 31266775 (cited by Women's Health and Genetics/Laboratory Corporation of America, LabCorp).